The following is an entry in ClinVar:

ClinVar aggregate classification (germline): Uncertain significance (1 of 4 stars; one submission).

Conditions:
Myopathy, proximal, and ophthalmoplegia (CMYO6). Also called: CONGENITAL MYOPATHY 6 WITH OPHTHALMOPLEGIA; MYOPATHY WITH CONGENITAL JOINT CONTRACTURES, OPHTHALMOPLEGIA, AND RIMMED VACUOLES; INCLUSION BODY MYOPATHY 3, AUTOSOMAL DOMINANT. Identifiers: Orphanet 363677, Orphanet 79091, MedGen C1854106, MONDO:0011577, OMIM 605637.

Allele frequency attached by ClinVar (database versions not stated): ExAC 0.00001.

Submission:

Labcorp Genetics (formerly Invitae), Labcorp
Classification: Uncertain significance for Myopathy, proximal, and ophthalmoplegia. Last evaluated: 2023-03-11. Review status: criteria provided, single submitter. Criteria: Invitae Variant Classification Sherloc (09022015). Collection method: clinical testing. Allele origin: germline.
Comment: This variant has not been reported in the literature in individuals affected with MYH2-related conditions. In summary, the available evidence is currently insufficient to determine the role of this variant in disease. Therefore, it has been classified as a Variant of Uncertain Significance. Advanced modeling of protein sequence and biophysical properties (such as structural, functional, and spatial information, amino acid conservation, physicochemical variation, residue mobility, and thermodynamic stability) performed at Invitae indicates that this missense variant is not expected to disrupt MYH2 protein function. This variant is present in population databases (rs773328490, gnomAD 0.0009%). This sequence change replaces aspartic acid, which is acidic and polar, with asparagine, which is neutral and polar, at codon 951 of the MYH2 protein (p.Asp951Asn).

NM_017534.6(MYH2):c.2851G>A (p.Asp951Asn)

Genes: MYHAS (myosin heavy chain gene cluster antisense RNA; plus strand), MYH2 (myosin heavy chain 2; minus strand). Cytogenetic location: 17p13.1.
Variant type: single nucleotide variant.
Coding change: c.2851G>A on transcript NM_017534.6 (MANE Select); coding-DNA position 2851, G replaced by A.
Protein change: p.Asp951Asn; replaces aspartic acid 951 with asparagine.
Molecular consequence: missense variant.
Genome position (GRCh38, 1-based): chr17:10,529,921, C>T on the plus strand (G>A on the coding strand, the complement: MYH2 is on the minus strand). VCF-style: chr17-10529921-C-T. GRCh37 (hg19) VCF-style: chr17-10433238-C-T.
Other names: c.2851G>A, p.Asp951Asn (NM_001100112.2); short protein forms D951N.
Identifiers: ClinVar variation 2818535 (VCV002818535.3), dbSNP rs773328490, ClinGen allele CA8391057.
Genomic context (GRCh38, chr17:10,529,921, plus strand): 5'-CAACCTTGGCCAGTGTCAGCTCAAGGTCATCAATGTCTTTCTTGAGTTCTGAACATTCAT[C>T]CTCCAGTTTCCTCTTCTTGGCTGTCAGCTCAGCATTGATCTCTTCCTCATCCTCAGCTCT-3'
Protein context (NP_060004.3, residues 941-961): ELTAKKRKLE[Asp951Asn]ECSELKKDID